The following is an entry in ClinVar:

NM_147127.5(EVC2):c.1562A>G (p.Asp521Gly)

Gene: EVC2 (EvC ciliary complex subunit 2; minus strand). Cytogenetic location: 4p16.2.
Variant type: single nucleotide variant.
Coding change: c.1562A>G on transcript NM_147127.5 (MANE Select); coding-DNA position 1562, A replaced by G.
Protein change: p.Asp521Gly; replaces aspartic acid 521 with glycine.
Molecular consequence: missense variant.
Genome position (GRCh38, 1-based): chr4:5,631,941, T>C on the plus strand (A>G on the coding strand, the complement: EVC2 is on the minus strand). VCF-style: chr4-5631941-T-C. GRCh37 (hg19) VCF-style: chr4-5633668-T-C.
Other names: c.1322A>G, p.Asp441Gly (NM_001166136.2); short protein forms D521G, D441G.
Identifiers: ClinVar variation 2924269 (VCV002924269.3), dbSNP rs1716568888, ClinGen allele CA356149156.

ClinVar aggregate classification (germline): Uncertain significance (1 of 4 stars; one submission).

Conditions:
Curry-Hall syndrome (WAD). Also called: WEYERS ACRODENTAL DYSOSTOSIS. Identifiers: Orphanet 952, MedGen C0457013, MONDO:0008673, OMIM 193530.
Ellis-van Creveld syndrome (EVC). Also called: EVC-Related Ellis-van Creveld Syndrome; EVC2-Related Ellis-van Creveld Syndrome; MESOECTODERMAL DYSPLASIA; Chondroectodermal dysplasia. Identifiers: Orphanet 289, MedGen C0013903, MONDO:0009162, OMIM 225500.

gnomAD v4.1: 13 of 1,614,076 alleles (0.00081%); highest among the groups gnomAD compares: Non-Finnish European, 0.0011%; no homozygotes.

Submission:

Labcorp Genetics (formerly Invitae), Labcorp
Classification: Uncertain significance for Curry-Hall syndrome; Ellis-van Creveld syndrome. Last evaluated: 2025-03-17. Review status: criteria provided, single submitter. Criteria: Invitae Variant Classification Sherloc (09022015). Collection method: clinical testing. Allele origin: germline.
Comment: This sequence change replaces aspartic acid, which is acidic and polar, with glycine, which is neutral and non-polar, at codon 521 of the EVC2 protein (p.Asp521Gly). This variant is not present in population databases (gnomAD no frequency). This variant has not been reported in the literature in individuals affected with EVC2-related conditions. ClinVar contains an entry for this variant (Variation ID: 2924269). An algorithm developed to predict the effect of missense changes on protein structure and function (PolyPhen-2) suggests that this variant is likely to be disruptive. In summary, the available evidence is currently insufficient to determine the role of this variant in disease. Therefore, it has been classified as a Variant of Uncertain Significance.